The following is an entry in ClinVar:

NM_014874.4(MFN2):c.1165T>C (p.Tyr389His)

Gene: MFN2 (mitofusin 2; plus strand). Cytogenetic location: 1p36.22.
Variant type: single nucleotide variant.
Coding change: c.1165T>C on transcript NM_014874.4 (MANE Select); coding-DNA position 1165, T replaced by C.
Protein change: p.Tyr389His; replaces tyrosine 389 with histidine.
Molecular consequence: missense variant.
Genome position (GRCh38, 1-based): chr1:12,003,996, T>C. VCF-style: chr1-12003996-T-C. GRCh37 (hg19) VCF-style: chr1-12064053-T-C.
Other names: p.Y389H:TAC>CAC; c.1165T>C, p.Tyr389His (NM_001127660.2); short protein forms Y389H.
Identifiers: ClinVar variation 214654 (VCV000214654.2), dbSNP rs863224070, ClinGen allele CA323927.

ClinVar aggregate classification (germline): Uncertain significance (1 of 4 stars; one submission).

Submission:

GeneDx
Classification: Uncertain significance. Last evaluated: 2014-08-26. Review status: criteria provided, single submitter. Criteria: GeneDx Variant Classification (06012015). Collection method: clinical testing. Allele origin: germline. Affected: yes.
Comment: p.Tyr389His (TAC>CAC): c.1165 T>C in exon 12 of the MFN2 gene (NM_014874.3). The Y389H variant has not been published as a mutation, nor has it been reported as a benign polymorphism to our knowledge. The Y389H variant was not observed in approximately 6500 individuals of European and African American ancestry in the NHLBI Exome Sequencing Project, indicating it is not a common benign variant in these populations. The Y389H variant is a non-conservative amino acid substitution, which is likely to impact secondary protein structure as these residues differ in polarity, charge, size and/or other properties. This substitution occurs at a position that is conserved across species. In silico analysis predicts this variant likely does not alter the protein structure/function. Missense mutations in nearby residues (A382P, A383V, R384W, C390R, C390F, M393I) have been reported in association with Charcot-Marie Tooth disease 2; axonal neuropathy, severe, early-onset; and altered mitochondrial dynamics, supporting the functional importance of this region of the protein. Therefore, based on the currently available information, it is unclear whether this variant is a pathogenic mutation or a rare benign variant. The variant is found in OAPEO-MITOP panel(s).